The following is an entry in ClinVar:

NM_001081550.2(THOC2):c.4532A>C (p.Lys1511Thr)

Gene: THOC2 (THO complex subunit 2; minus strand). Cytogenetic location: Xq25.
Variant type: single nucleotide variant.
Coding change: c.4532A>C on transcript NM_001081550.2 (MANE Select); coding-DNA position 4532, A replaced by C.
Protein change: p.Lys1511Thr; replaces lysine 1511 with threonine.
Molecular consequence: missense variant.
Genome position (GRCh38, 1-based): chrX:123,613,544, T>G on the plus strand (A>C on the coding strand, the complement: THOC2 is on the minus strand). VCF-style: chrX-123613544-T-G. GRCh37 (hg19) VCF-style: chrX-122747395-T-G.
Other names: short protein forms K1511T.
Identifiers: ClinVar variation 3602891 (VCV003602891.1).
Genomic context (GRCh38, chrX:123,613,544, plus strand): 5'-TTTTTTTCCTTGTCTTTCTCATTTGGATAAGGAGATTCACAAGGACTTTCACTTTTATGT[T>G]TTGAAACCCCCACTAAAATTACAAAAGAAAATCATGAAAGCCTTTTCCAATTCACTTCGA-3'
Protein context (NP_001075019.1, residues 1501-1521): KEENGTMGVS[Lys1511Thr]HKSESPCESP

ClinVar aggregate classification (germline): Uncertain significance (1 of 4 stars; one submission).

Submission:

GeneDx
Classification: Uncertain significance. Last evaluated: 2024-08-09. Review status: criteria provided, single submitter. Criteria: GeneDx Variant Classification Process June 2021. Collection method: clinical testing. Allele origin: germline. Affected: yes.
Comment: Not observed at significant frequency in large population cohorts (gnomAD); In silico analysis supports that this missense variant has a deleterious effect on protein structure/function; Has not been previously published as pathogenic or benign to our knowledge